The following is an entry in ClinVar:

ClinVar aggregate classification (germline): Conflicting classifications of pathogenicity. Review status: criteria provided, conflicting classifications (1 of 4 stars). 11 submissions from 11 submitters: Uncertain significance (3); Benign (1); Likely benign (6). 1 of the submissions does not count toward it. Last evaluated 2026-04-14.

Conditions:
Euthyroid goiter (MNG1). Also called: Goiter, multinodular 1, with or without Sertoli-Leydig cell tumors; MULTINODULAR GOITER, ADOLESCENT; GOITER, NONTOXIC, WITH INTRATHYROIDAL CALCIFICATION; SIMPLE GOITER. Identifiers: Orphanet 276399, MedGen C0302859, MONDO:0007681, OMIM 138800, HP:0009798.
Pleuropulmonary blastoma (PPB). Identifiers: Orphanet 64742, MedGen C1266144, MONDO:0011014, OMIM 601200, HP:0100528.
Global developmental delay - lung cysts - overgrowth - Wilms tumor syndrome. Also called: GLOBAL DEVELOPMENTAL DELAY, LUNG CYSTS, OVERGROWTH, AND WILMS TUMOR; GLOW Syndrome. Identifiers: Orphanet 404476, MedGen C4748924, MONDO:0018445, OMIM 618272.
Rhabdomyosarcoma, embryonal, 2 (RMSE2). Identifiers: MedGen C1867234, MONDO:0859046, OMIM 180295.
DICER1-related disorder. Also called: DICER1-related condition.
Cancer or benign tumor. Also called: Cell proliferation disorder. Identifiers: MedGen CN377727, MONDO:0045024.
DICER1-related tumor predisposition. Also called: DICER1-related pleuropulmonary blastoma cancer predisposition syndrome; DICER1 syndrome. Identifiers: Orphanet 284343, MedGen C3839822, MONDO:0100216.

Allele frequency attached by ClinVar (database versions not stated): gnomAD 0.00009 and 0.00010; TOPMed 0.00014; ESP Exome Variant Server 0.00046.

Submissions (11):

Myriad Genetics, Inc.
Classification: Likely benign for DICER1-related tumor predisposition. Last evaluated: 2026-04-14. Review status: criteria provided, single submitter. Criteria: Myriad Autosomal Dominant, Autosomal Recessive and X-Linked Classification Criteria (2023). Collection method: clinical testing. Allele origin: unknown.
Comment: This variant is considered likely benign. This variant is intronic and is not expected to impact mRNA splicing.

Labcorp Genetics (formerly Invitae), Labcorp
Classification: Benign for DICER1-related tumor predisposition. Last evaluated: 2025-12-23. Review status: criteria provided, single submitter. Criteria: Invitae Variant Classification Sherloc (09022015). Collection method: clinical testing. Allele origin: germline.

Quest Diagnostics Nichols Institute San Juan Capistrano
Classification: Uncertain significance. Last evaluated: 2025-07-01. Review status: criteria provided, single submitter. Criteria: Quest Diagnostics criteria. Collection method: clinical testing. Allele origin: unknown.
Comment: The DICER1 c.5527+7T>A variant has been reported as a germline variant in the published literature. The frequency of this variant in the general population (Genome Aggregation Database) is uninformative in the assessment of its pathogenicity. Analysis of this variant using software algorithms for the prediction of the effect of nucleotide changes on DICER1 mRNA splicing yielded inconclusive findings. Based on the available information, we are unable to determine the clinical significance of this variant.

Center for Genomic Medicine, Rigshospitalet, Copenhagen University Hospital
Classification: Likely benign. Last evaluated: 2025-03-04. Review status: criteria provided, single submitter. Criteria: ACMG Guidelines, 2015. Collection method: clinical testing. Allele origin: germline.

Blueprint Genetics
Classification: Likely benign. Last evaluated: 2024-10-03. Review status: criteria provided, single submitter. Criteria: ACMG Guidelines, 2015. Collection method: clinical testing. Allele origin: germline.

Department of Pathology and Laboratory Medicine, Sinai Health System
Classification: Likely benign for Euthyroid goiter; Rhabdomyosarcoma, embryonal, 2; Pleuropulmonary blastoma; Global developmental delay - lung cysts - overgrowth - Wilms tumor syndrome. Last evaluated: 2023-02-06. Review status: criteria provided, single submitter. Criteria: ACMG Guidelines, 2015. Collection method: clinical testing. Allele origin: germline. Affected: yes.

Institute for Clinical Genetics, University Hospital TU Dresden, University Hospital TU Dresden
Classification: Uncertain significance. Last evaluated: 2021-11-03. Review status: criteria provided, single submitter. Criteria: ACMG Guidelines, 2015. Collection method: clinical testing. Allele origin: germline.

Cambridge Genomics Laboratory, East Genomic Laboratory Hub, NHS Genomic Medicine Service
Classification: Uncertain significance for Cancer or benign tumor. Last evaluated: 2019-08-29. Review status: criteria provided, single submitter. Criteria: ACGS Best Practice Guidelines for Variant Classification in Rare Disease 2020. Collection method: clinical testing. Allele origin: germline. Affected: yes. Observed: 1 variant allele.

Illumina Laboratory Services, Illumina
Classification: Likely benign for Pleuropulmonary blastoma. Last evaluated: 2018-01-13. Review status: criteria provided, single submitter. Criteria: ICSL Variant Classification Criteria 13 December 2019. Collection method: clinical testing. Allele origin: germline.
Comment: This variant was observed in the ICSL laboratory as part of a predisposition screen in an ostensibly healthy population. It had not been previously curated by ICSL or reported in the Human Gene Mutation Database (HGMD: prior to June 1st, 2018), and was therefore a candidate for classification through an automated scoring system. Utilizing variant allele frequency, disease prevalence and penetrance estimates, and inheritance mode, an automated score was calculated to assess if this variant is too frequent to cause the disease. Based on the score and internal cut-off values, a variant classified as likely benign is not then subjected to further curation. The score for this variant resulted in a classification of likely benign for this disease.

GeneDx
Classification: Likely benign. Last evaluated: 2017-10-02. Review status: criteria provided, single submitter. Criteria: GeneDx Variant Classification (06012015). Collection method: clinical testing. Allele origin: germline. Affected: yes.
Comment: This variant is considered likely benign or benign based on one or more of the following criteria: it is a conservative change, it occurs at a poorly conserved position in the protein, it is predicted to be benign by multiple in silico algorithms, and/or has population frequency not consistent with disease.

PreventionGenetics, part of Exact Sciences
Classification: Likely benign for DICER1-related condition. Last evaluated: 2020-10-09. Review status: no assertion criteria provided. Collection method: clinical testing. Allele origin: germline. Not counted in ClinVar's aggregate classification.
Comment: This variant is classified as likely benign based on ACMG/AMP sequence variant interpretation guidelines (Richards et al. 2015 PMID: 25741868, with internal and published modifications).

Literature cited by the submitters: PubMed 32692439 (cited by Quest Diagnostics Nichols Institute San Juan Capistrano).

NM_177438.3(DICER1):c.5527+7T>A

Gene: DICER1 (dicer 1, ribonuclease III; minus strand). Cytogenetic location: 14q32.13.
Variant type: single nucleotide variant.
Coding change: c.5527+7T>A on transcript NM_177438.3 (MANE Select); 7 bases into the intron after coding-DNA position 5527, T replaced by A.
Molecular consequence: intron variant.
Genome position (GRCh38, 1-based): chr14:95,091,196, A>T on the plus strand (T>A on the coding strand, the complement: DICER1 is on the minus strand). VCF-style: chr14-95091196-A-T. GRCh37 (hg19) VCF-style: chr14-95557533-A-T.
Other names: c.5527+7T>A (NM_001291628.2, NM_030621.4, NM_001271282.3); c.5365-87T>A (NM_001195573.1).
Identifiers: ClinVar variation 242140 (VCV000242140.29), dbSNP rs375239471, ClinGen allele CA7330650.